The following is an entry in ClinVar:

ClinVar aggregate classification (germline): Likely benign (1 of 4 stars; one submission).

Conditions:
Progressive sclerosing poliodystrophy (MTDPS4A). Also called: Alpers-Huttenlocher Syndrome (AHS); Alpers Syndrome; ALPERS PROGRESSIVE INFANTILE POLIODYSTROPHY; Mitochondrial DNA depletion syndrome 4A (Alpers type); ALPERS DIFFUSE DEGENERATION OF CEREBRAL GRAY MATTER WITH HEPATIC CIRRHOSIS; Alpers-Huttenlocher Syndrome. Identifiers: Orphanet 726, MedGen C0205710, MONDO:0008758, OMIM 203700.

Allele frequency attached by ClinVar (database versions not stated): gnomAD 0.00001; TOPMed 0.00001; ExAC 0.00002.
gnomAD v4.1: 4 of 1,613,770 alleles (0.00025%); highest among the groups gnomAD compares: East Asian, 0.0067%; no homozygotes.

Submission:

Wong Mito Lab, Molecular and Human Genetics, Baylor College of Medicine
Classification: Likely benign for Progressive sclerosing poliodystrophy. Last evaluated: 2018-10-01. Review status: criteria provided, single submitter. Criteria: ACMG Guidelines, 2015. Collection method: clinical testing. Allele origin: germline.
Comment: The NM_002693.2:c.3610A>T (NP_002684.1:p.Thr1204Ser) [GRCH38: NC_000015.10:g.89317409T>A] variant in POLG gene is interpretated to be a Likely Benign based on ACMG guidelines (PMID: 25741868). This variant meets the following evidence codes reported in the ACMG-guideline. BP4:Computational evidence/predictors indicate no impact on the POLG structure, function, or protein-protein interaction. BP6:Reputable source(s) without shared data suggest the variant is benign. Based on the evidence criteria codes applied, the variant is suggested to be Likely Benign.

NM_002693.3(POLG):c.3610A>T (p.Thr1204Ser)

Gene: POLG (DNA polymerase gamma, catalytic subunit; minus strand). Cytogenetic location: 15q26.1.
Variant type: single nucleotide variant.
Coding change: c.3610A>T on transcript NM_002693.3 (MANE Select); coding-DNA position 3610, A replaced by T.
Protein change: p.Thr1204Ser; replaces threonine 1204 with serine.
Molecular consequence: missense variant.
Genome position (GRCh38, 1-based): chr15:89,317,409, T>A on the plus strand (A>T on the coding strand, the complement: POLG is on the minus strand). VCF-style: chr15-89317409-T-A. GRCh37 (hg19) VCF-style: chr15-89860640-T-A.
Other names: c.3610A>T, p.Thr1204Ser (NM_001126131.2); short protein forms T1204S.
Identifiers: ClinVar variation 619342 (VCV000619342.1), dbSNP rs761103159, ClinGen allele CA7724085.